The following is an entry in ClinVar:

ClinVar aggregate classification (germline): Pathogenic (1 of 4 stars; one submission).

Allele frequency attached by ClinVar (database versions not stated): gnomAD exomes below 0.00001; gnomAD 0.00001.

Submission:

Labcorp Genetics (formerly Invitae), Labcorp
Classification: Pathogenic. Last evaluated: 2023-11-27. Review status: criteria provided, single submitter. Criteria: Invitae Variant Classification Sherloc (09022015). Collection method: clinical testing. Allele origin: germline.
Comment: This sequence change creates a premature translational stop signal (p.Leu246*) in the PEX3 gene. It is expected to result in an absent or disrupted protein product. Loss-of-function variants in PEX3 are known to be pathogenic (PMID: 10942428, 21031596). This variant is present in population databases (no rsID available, gnomAD 0.01%). This variant has not been reported in the literature in individuals affected with PEX3-related conditions. ClinVar contains an entry for this variant (Variation ID: 965193). Algorithms developed to predict the effect of sequence changes on RNA splicing suggest that this variant may disrupt the consensus splice site. For these reasons, this variant has been classified as Pathogenic.

Literature cited by the submitters: PubMed 10942428; PubMed 21031596.

NM_003630.3(PEX3):c.735del (p.Pro245_Leu246insTer)

Gene: PEX3 (peroxisomal biogenesis factor 3; plus strand). Cytogenetic location: 6q24.2.
Variant type: Deletion.
Coding change: c.735del on transcript NM_003630.3 (MANE Select); coding-DNA position 735, one base deleted (A; older notation c.735delA).
Protein change: p.Pro245_Leu246insTer.
Molecular consequence: frameshift variant.
Genome position (GRCh38, 1-based): chr6:143,472,316, A deleted. VCF-style (leftmost placement, unchanged base first): chr6-143472315-CA-C. GRCh37 (hg19) VCF-style: chr6-143793452-CA-C.
Identifiers: ClinVar variation 965193 (VCV000965193.7), dbSNP rs1562654984, ClinGen allele CA570977846.